The following is an entry in ClinVar:

NM_000545.8(HNF1A):c.1841A>T (p.Asn614Ile)

Genes: C12orf43 (chromosome 12 open reading frame 43; minus strand), HNF1A (HNF1 homeobox A; plus strand). Cytogenetic location: 12q24.31.
Variant type: single nucleotide variant.
Coding change: c.1841A>T on transcript NM_000545.8 (MANE Select); coding-DNA position 1841, A replaced by T.
Protein change: p.Asn614Ile; replaces asparagine 614 with isoleucine.
Molecular consequence: missense variant. On other transcripts: 3 prime UTR variant (3).
Genome position (GRCh38, 1-based): chr12:121,001,137, A>T. VCF-style: chr12-121001137-A-T. GRCh37 (hg19) VCF-style: chr12-121438940-A-T.
Other names: c.*3016T>A (NM_001286191.2, NM_001286196.2, NM_022895.3); c.1862A>T, p.Asn621Ile (NM_001306179.2); c.1649A>T, p.Asn550Ile (NM_001406915.1); short protein forms N621I, N550I, N614I.
Identifiers: ClinVar variation 4738971 (VCV004738971.2).

ClinVar aggregate classification (germline): Uncertain significance. Review status: criteria provided, multiple submitters, no conflicts (2 of 4 stars). 2 submissions from 2 submitters: Uncertain significance (2). Last evaluated 2025-12-02.

gnomAD v4.1: 5 of 1,614,092 alleles (0.00031%); highest among the groups gnomAD compares: Non-Finnish European, 0.00042%; no homozygotes.

Submissions (2):

Labcorp Genetics (formerly Invitae), Labcorp
Classification: Uncertain significance. Last evaluated: 2025-12-02. Review status: criteria provided, single submitter. Criteria: Invitae Variant Classification Sherloc (09022015). Collection method: clinical testing. Allele origin: germline.
Comment: This sequence change replaces asparagine, which is neutral and polar, with isoleucine, which is neutral and non-polar, at codon 614 of the HNF1A protein (p.Asn614Ile). This variant is present in population databases (rs779019818, gnomAD 0.0009%). This variant has not been reported in the literature in individuals affected with HNF1A-related conditions. Invitae Evidence Modeling of protein sequence and biophysical properties (such as structural, functional, and spatial information, amino acid conservation, physicochemical variation, residue mobility, and thermodynamic stability) has been performed for this missense variant. However, the output from this modeling did not meet the statistical confidence thresholds required to predict the impact of this variant on HNF1A protein function. In summary, the available evidence is currently insufficient to determine the role of this variant in disease. Therefore, it has been classified as a Variant of Uncertain Significance.

Blueprint Genetics
Classification: Uncertain significance. Last evaluated: 2024-11-20. Review status: criteria provided, single submitter. Criteria: ACMG Guidelines, 2015. Collection method: clinical testing. Allele origin: germline.